The following is an entry in ClinVar:

ClinVar aggregate classification (germline): Uncertain significance. Review status: criteria provided, multiple submitters, no conflicts (2 of 4 stars). 2 submissions from 2 submitters: Uncertain significance (2). Last evaluated 2023-10-01.

Conditions:
Myopathy, proximal, and ophthalmoplegia (CMYO6). Also called: CONGENITAL MYOPATHY 6 WITH OPHTHALMOPLEGIA; MYOPATHY WITH CONGENITAL JOINT CONTRACTURES, OPHTHALMOPLEGIA, AND RIMMED VACUOLES; INCLUSION BODY MYOPATHY 3, AUTOSOMAL DOMINANT. Identifiers: Orphanet 363677, Orphanet 79091, MedGen C1854106, MONDO:0011577, OMIM 605637.

Allele frequency attached by ClinVar (database versions not stated): gnomAD exomes below 0.00001.
gnomAD v4.1: 1 of 1,614,126 alleles (0.000062%); highest among the groups gnomAD compares: Non-Finnish European, 0.000085%; no homozygotes.

Submissions (2):

CeGaT Center for Human Genetics Tuebingen
Classification: Uncertain significance. Last evaluated: 2023-10-01. Review status: criteria provided, single submitter. Criteria: CeGaT Center For Human Genetics Tuebingen Variant Classification Criteria Version 2. Collection method: clinical testing. Allele origin: germline. Affected: yes. Observed: 1 variant allele.
Comment: MYH2: PM2, PP3

Illumina Laboratory Services, Illumina
Classification: Uncertain significance for Myopathy, proximal, and ophthalmoplegia. Last evaluated: 2018-01-12. Review status: criteria provided, single submitter. Criteria: ICSL Variant Classification Criteria 13 December 2019. Collection method: clinical testing. Allele origin: germline.

NM_017534.6(MYH2):c.301G>C (p.Ala101Pro)

Genes: MYH2 (myosin heavy chain 2; minus strand), MYHAS (myosin heavy chain gene cluster antisense RNA; plus strand). Cytogenetic location: 17p13.1.
Variant type: single nucleotide variant.
Coding change: c.301G>C on transcript NM_017534.6 (MANE Select); coding-DNA position 301, G replaced by C.
Protein change: p.Ala101Pro; replaces alanine 101 with proline.
Molecular consequence: missense variant.
Genome position (GRCh38, 1-based): chr17:10,547,522, C>G on the plus strand (G>C on the coding strand, the complement: MYH2 is on the minus strand). VCF-style: chr17-10547522-C-G. GRCh37 (hg19) VCF-style: chr17-10450839-C-G.
Other names: c.301G>C, p.Ala101Pro (NM_001100112.2); short protein forms A101P.
Identifiers: ClinVar variation 321697 (VCV000321697.30), dbSNP rs886052573, ClinGen allele CA10638881.
Genomic context (GRCh38, chr17:10,547,522, plus strand): 5'-AGGGGACACTCACGTAGATCATCCAGGCTGCATAACGTTCTTTGAGGTTGTACAGCACAG[C>G]AGGCTCATGCAGATGAGTCATCATGGCCATATCCTCGATCTTGTCATATTTGGGAGGGTT-3'
Protein context (NP_060004.3, residues 91-111): MAMMTHLHEP[Ala101Pro]VLYNLKERYA